The following is an entry in ClinVar:

ClinVar aggregate classification (germline): Likely benign. Review status: criteria provided, single submitter (1 of 4 stars). 2 submissions from 2 submitters: Likely benign (1). 1 of the submissions does not count toward it. Last evaluated 2023-09-01.

Conditions:
Methylcobalamin deficiency type cblG (HMAG). Also called: HOMOCYSTINURIA-MEGALOBLASTIC ANEMIA, cblG COMPLEMENTATION TYPE; Functional methionine synthase deficiency type cblG; HOMOCYSTINURIA-MEGALOBLASTIC ANEMIA, cblG TYPE; HOMOCYSTINURIA-MEGALOBLASTIC ANEMIA DUE TO DEFECT IN COBALAMIN METABOLISM, cblG COMPLEMENTATION TYPE. Identifiers: Orphanet 2170, Orphanet 622, MedGen C1855128, MONDO:0009609, OMIM 250940.
MTR-related disorder. Also called: MTR-related condition.

Allele frequency attached by ClinVar (database versions not stated): gnomAD exomes 0.00001; TOPMed 0.00001; gnomAD 0.00001.
gnomAD v4.1: 6 of 1,613,640 alleles (0.00037%); highest among the groups gnomAD compares: Admixed American, 0.0067%; no homozygotes.

Submissions (2):

Labcorp Genetics (formerly Invitae), Labcorp
Classification: Likely benign for Methylcobalamin deficiency type cblG. Last evaluated: 2023-09-01. Review status: criteria provided, single submitter. Criteria: Invitae Variant Classification Sherloc (09022015). Collection method: clinical testing. Allele origin: germline.

PreventionGenetics, part of Exact Sciences
Classification: Likely benign for MTR-related condition. Last evaluated: 2019-05-14. Review status: no assertion criteria provided. Collection method: clinical testing. Allele origin: germline. Not counted in ClinVar's aggregate classification.
Comment: This variant is classified as likely benign based on ACMG/AMP sequence variant interpretation guidelines (Richards et al. 2015 PMID: 25741868, with internal and published modifications).

NM_000254.3(MTR):c.888C>T (p.Asp296=)

Gene: MTR (5-methyltetrahydrofolate-homocysteine methyltransferase; plus strand). Cytogenetic location: 1q43.
Variant type: single nucleotide variant.
Coding change: c.888C>T on transcript NM_000254.3 (MANE Select); coding-DNA position 888, C replaced by T.
Protein change: p.Asp296=; no amino-acid change (aspartic acid 296 retained).
Molecular consequence: synonymous variant. On other transcripts: 5 prime UTR variant (1).
Genome position (GRCh38, 1-based): chr1:236,825,360, C>T. VCF-style: chr1-236825360-C-T. GRCh37 (hg19) VCF-style: chr1-236988660-C-T.
Other names: c.888C>T (NM_000254.2); c.888C>T, p.Asp296= (NM_001291939.1, NM_001410942.1); c.-221C>T (NM_001291940.2).
Identifiers: ClinVar variation 2710381 (VCV002710381.5), dbSNP rs969848310, ClinGen allele CA39746196.